The following is an entry in ClinVar:

NM_000166.6(GJB1):c.103G>A (p.Val35Met)

Gene: GJB1 (gap junction protein beta 1; plus strand). Cytogenetic location: Xq13.1.
Variant type: single nucleotide variant.
Coding change: c.103G>A on transcript NM_000166.6 (MANE Select); coding-DNA position 103, G replaced by A.
Protein change: p.Val35Met; replaces valine 35 with methionine.
Molecular consequence: missense variant.
Genome position (GRCh38, 1-based): chrX:71,223,810, G>A. VCF-style: chrX-71223810-G-A. GRCh37 (hg19) VCF-style: chrX-70443660-G-A.
Other names: c.103G>A, p.Val35Met (NM_001097642.3); short protein forms V35M.
Identifiers: ClinVar variation 637583 (VCV000637583.11), dbSNP rs1602348735, ClinGen allele CA413500937.

ClinVar aggregate classification (germline): Conflicting classifications of pathogenicity. Review status: criteria provided, conflicting classifications (1 of 4 stars). 3 submissions from 3 submitters: Likely pathogenic (1); Uncertain significance (1). 1 of the submissions does not count toward it. Last evaluated 2025-03-25.

Conditions:
Charcot-Marie-Tooth disease. Also called: Charcot-Marie-Tooth Hereditary Neuropathy; Charcot-Marie-Tooth Neuropathy. Identifiers: Orphanet 166, MedGen C0007959, MONDO:0015626.
Charcot-Marie-Tooth Neuropathy X. Identifiers: MedGen CN118851.

Submissions (3):

GeneDx
Classification: Likely pathogenic. Last evaluated: 2025-03-25. Review status: criteria provided, single submitter. Criteria: GeneDx Variant Classification Process June 2021. Collection method: clinical testing. Allele origin: germline. Affected: yes.
Comment: Reported previously in patients with Charcot-Marie-Tooth disease; however, clinical information was limited (PMID: 9818870, 21692908, 24290847); Published functional studies show conflicting information (PMID: 9354338, 15006706, 12460545); Not observed at significant frequency in large population cohorts (gnomAD); Missense variants in this gene are a common cause of disease and they are underrepresented in the general population; In silico analysis supports that this missense variant has a deleterious effect on protein structure/function; This variant is associated with the following publications: (PMID: 9361298, 9818870, 9354338, 15006706, 12460545, 31323543, 21692908, 24290847, 36380532)

Labcorp Genetics (formerly Invitae), Labcorp
Classification: Uncertain significance for Charcot-Marie-Tooth Neuropathy X. Last evaluated: 2019-05-10. Review status: criteria provided, single submitter. Criteria: Invitae Variant Classification Sherloc (09022015). Collection method: clinical testing. Allele origin: germline.
Comment: In summary, the available evidence is currently insufficient to determine the role of this variant in disease. Therefore, it has been classified as a Variant of Uncertain Significance. This variant has been reported to have conflicting or insufficient data to determine the effect on GJB1 protein function (PMID: 9354338, 15006706, 12460545). This variant has been observed in individuals affected with CMTX (PMID: 21692908, 9361298, 9818870). This variant is not present in population databases (ExAC no frequency). This sequence change replaces valine with methionine at codon 35 of the GJB1 protein (p.Val35Met). The valine residue is highly conserved and there is a small physicochemical difference between valine and methionine.

Inherited Neuropathy Consortium
Classification: Uncertain significance for Charcot-Marie-Tooth disease. Review status: no assertion criteria provided. Collection method: literature only. Allele origin: germline. Affected: yes. Not counted in ClinVar's aggregate classification.

Literature cited by the submitters: PubMed 9354338 (cited by Labcorp Genetics (formerly Invitae), Labcorp); PubMed 15006706 (cited by Labcorp Genetics (formerly Invitae), Labcorp); PubMed 12460545 (cited by Labcorp Genetics (formerly Invitae), Labcorp); PubMed 21692908 (cited by Labcorp Genetics (formerly Invitae), Labcorp); PubMed 9361298 (cited by Labcorp Genetics (formerly Invitae), Labcorp and Inherited Neuropathy Consortium); PubMed 9818870 (cited by Labcorp Genetics (formerly Invitae), Labcorp).